The following is an entry in ClinVar:

NM_005560.6(LAMA5):c.5513G>A (p.Arg1838Gln)

Gene: LAMA5 (laminin subunit alpha 5; minus strand). Cytogenetic location: 20q13.33.
Variant type: single nucleotide variant.
Coding change: c.5513G>A on transcript NM_005560.6 (MANE Select); coding-DNA position 5513, G replaced by A.
Protein change: p.Arg1838Gln; replaces arginine 1838 with glutamine.
Molecular consequence: missense variant.
Genome position (GRCh38, 1-based): chr20:62,325,332, C>T on the plus strand (G>A on the coding strand, the complement: LAMA5 is on the minus strand). VCF-style: chr20-62325332-C-T. GRCh37 (hg19) VCF-style: chr20-60900388-C-T.
Other names: short protein forms R1838Q.
Identifiers: ClinVar variation 721198 (VCV000721198.32), dbSNP rs142055388, ClinGen allele CA9942182.

ClinVar aggregate classification (germline): Likely benign. Review status: criteria provided, multiple submitters, no conflicts (2 of 4 stars). 4 submissions from 4 submitters: Likely benign (3). 1 of the submissions does not count toward it. Last evaluated 2025-12-21.

Conditions:
LAMA5-related disorder. Also called: LAMA5-Related Disorders; LAMA5-related condition.

Allele frequency attached by ClinVar (database versions not stated): ESP Exome Variant Server 0.00146; gnomAD exomes 0.00150; gnomAD 0.00156 and 0.00163; TOPMed 0.00157; ExAC 0.00187.

Submissions (4):

Labcorp Genetics (formerly Invitae), Labcorp
Classification: Likely benign. Last evaluated: 2025-12-21. Review status: criteria provided, single submitter. Criteria: Invitae Variant Classification Sherloc (09022015). Collection method: clinical testing. Allele origin: germline.

Blueprint Genetics
Classification: Likely benign. Last evaluated: 2024-11-06. Review status: criteria provided, single submitter. Criteria: ACMG Guidelines, 2015. Collection method: clinical testing. Allele origin: germline.

CeGaT Center for Human Genetics Tuebingen
Classification: Likely benign. Last evaluated: 2024-05-01. Review status: criteria provided, single submitter. Criteria: CeGaT Center For Human Genetics Tuebingen Variant Classification Criteria Version 2. Collection method: clinical testing. Allele origin: germline. Affected: yes. Observed: 2 variant alleles.
Comment: LAMA5: BP4

PreventionGenetics, part of Exact Sciences
Classification: Likely benign for LAMA5-related condition. Last evaluated: 2022-02-07. Review status: no assertion criteria provided. Collection method: clinical testing. Allele origin: germline. Not counted in ClinVar's aggregate classification.
Comment: This variant is classified as likely benign based on ACMG/AMP sequence variant interpretation guidelines (Richards et al. 2015 PMID: 25741868, with internal and published modifications).